The following is an entry in ClinVar:

NM_170707.4(LMNA):c.737A>G (p.Gln246Arg)

Gene: LMNA (lamin A/C; plus strand). Cytogenetic location: 1q22.
Variant type: single nucleotide variant.
Coding change: c.737A>G on transcript NM_170707.4 (MANE Select); coding-DNA position 737, A replaced by G.
Protein change: p.Gln246Arg; replaces glutamine 246 with arginine.
Molecular consequence: missense variant.
Genome position (GRCh38, 1-based): chr1:156,134,902, A>G. VCF-style: chr1-156134902-A-G. GRCh37 (hg19) VCF-style: chr1-156104693-A-G.
Other names: p.Q246R:CAG>CGG; c.401A>G, p.Gln134Arg (NM_001257374.3); c.494A>G, p.Gln165Arg (NM_001282624.2); c.737A>G, p.Gln246Arg (NM_001282625.2, NM_001282626.2, NM_005572.4 and 1 more transcripts); short protein forms Q246R, Q134R, Q165R.
Identifiers: ClinVar variation 200940 (VCV000200940.2), dbSNP rs794728592, ClinGen allele CA018517.

ClinVar aggregate classification (germline): Uncertain significance (1 of 4 stars; one submission).

Submission:

GeneDx
Classification: Uncertain significance. Last evaluated: 2014-05-12. Review status: criteria provided, single submitter. Criteria: GeneDx Variant Classification (06012015). Collection method: clinical testing. Allele origin: germline. Affected: yes.
Comment: p.Gln246Arg (CAG>CGG): c.737 A>G in exon 4 of the LMNA gene (NM_170707.2). A variant of unknown significance has been identified in the LMNA gene. The Q246R variant has not been published as a mutation, nor has it been reported as a benign polymorphism to our knowledge. The Q246R variant was not observed in approximately 6,500 individuals of European and African American ancestry in the NHLBI Exome Sequencing Project, indicating it is not a common benign variant in these populations. The Q246R variant is a semi-conservative amino acid substitution, which may impact secondary protein structure as these residues differ in some properties. This substitution occurs at a position that is conserved in mammals. A missense mutation in a nearby residue (L248P) has been reported in association with Emery-Dreifuss Muscular Dystrophy. Therefore, based on the currently available information, it is unclear whether this variant is a pathogenic mutation or a rare benign variant. This result cannot be interpreted for diagnosis or used for family member screening at this time. The variant is found in CARDIOMYOPATHY panel(s).